The following is an entry in ClinVar:

NM_007194.4(CHEK2):c.1262T>C (p.Leu421Pro)

Gene: CHEK2 (checkpoint kinase 2; minus strand). Cytogenetic location: 22q12.1.
Variant type: single nucleotide variant.
Coding change: c.1262T>C on transcript NM_007194.4 (MANE Select); coding-DNA position 1262, T replaced by C.
Protein change: p.Leu421Pro; replaces leucine 421 with proline.
Molecular consequence: missense variant.
Genome position (GRCh38, 1-based): chr22:28,695,240, A>G on the plus strand (T>C on the coding strand, the complement: CHEK2 is on the minus strand). VCF-style: chr22-28695240-A-G. GRCh37 (hg19) VCF-style: chr22-29091228-A-G.
Other names: c.1391T>C, p.Leu464Pro (NM_001005735.3); c.599T>C, p.Leu200Pro (NM_001257387.3); c.1061T>C, p.Leu354Pro (NM_001349956.3); c.1175T>C, p.Leu392Pro (NM_145862.3); short protein forms L200P, L354P, L392P, L421P, L464P.
Identifiers: ClinVar variation 1514965 (VCV001514965.7), dbSNP rs1060502714, ClinGen allele CA411096360.

ClinVar aggregate classification (germline): Uncertain significance (1 of 4 stars; one submission).

Conditions:
Familial cancer of breast. Also called: Hereditary breast cancer; hereditary breast carcinoma; BREAST CANCER, FAMILIAL. Identifiers: Orphanet 227535, MedGen C0346153, MONDO:0016419, OMIM 114480. Disease mechanism: loss of function.

Submission:

Labcorp Genetics (formerly Invitae), Labcorp
Classification: Uncertain significance for Familial cancer of breast. Last evaluated: 2025-03-19. Review status: criteria provided, single submitter. Criteria: Invitae Variant Classification Sherloc (09022015). Collection method: clinical testing. Allele origin: germline.
Comment: This sequence change replaces leucine, which is neutral and non-polar, with proline, which is neutral and non-polar, at codon 421 of the CHEK2 protein (p.Leu421Pro). This variant is not present in population databases (gnomAD no frequency). This variant has not been reported in the literature in individuals affected with CHEK2-related conditions. ClinVar contains an entry for this variant (Variation ID: 1514965). An algorithm developed to predict the effect of missense changes on protein structure and function (PolyPhen-2) suggests that this variant is likely to be disruptive. In summary, the available evidence is currently insufficient to determine the role of this variant in disease. Therefore, it has been classified as a Variant of Uncertain Significance.